The following is an entry in ClinVar:

GRCh37/hg19 7q36.1(chr7:149332630-151498689)x1

Genes: ABCB8 (ATP binding cassette subfamily B member 8; plus strand), ABCF2 (ATP binding cassette subfamily F member 2; minus strand), ACTR3C (actin related protein 3C; minus strand), AGAP3 (ArfGAP with GTPase domain, ankyrin repeat and PH domain 3; plus strand), AOC1 (amine oxidase copper containing 1; plus strand) and 37 more. Cytogenetic location: 7q36.1.
Variant type: copy number loss.
Change: copy number 1 (one copy instead of two) of chr7:149,332,630-151,498,689 (2.17 Mb, GRCh37 coordinates, 1-based), cytogenetic band 7q36.1.
Identifiers: ClinVar variation 1807607 (VCV001807607.1).

ClinVar aggregate classification (germline): Pathogenic (1 of 4 stars; one submission).

Submission:

Quest Diagnostics Nichols Institute San Juan Capistrano
Classification: Pathogenic. Last evaluated: 2021-12-20. Review status: criteria provided, single submitter. Criteria: ACMG/ClinGen CNV Guidelines, 2019. Collection method: clinical testing. Allele origin: unknown.
Comment: The copy number loss of 7q36.1 involves numerous protein-coding genes, including KCNH2 (OMIM 152427) and multiple exons (NM_016203.4) of the 3' portion of PRKAG2 (OMIM 602743), and is expected to cause phenotypic and/or developmental abnormalities. Hemizygous deletions as well as heterozygous loss-of-function sequence variants of KCNH2 are associated with autosomal dominant long QT syndrome 2 (LQT2; OMIM 613688), which is characterized by polymorphic ventricular arrhythmias which may result in recurrent syncope, seizure, or sudden mortality. Similar sequence variants within KCNH2 have also been associated with short QT syndrome-1 (SQT1; OMIM 609620), which is a cardiac channelopathy associated with a predisposition to atrial fibrillation and sudden cardiac death. Furthermore, heterozygous sequence variants of PRKAG2 are associated with autosomal dominant lethal congenital glycogen storage disease of the heart (OMIM 261740), hypertrophic cardiomyopathy-6 (CMH6; OMIM 600858), and Wolff-Parkinson-White preexcitation syndrome (WPW syndrome) (OMIM 194200) in isolation or in association with cardiac hypertrophy. There are no similar copy number losses of this region in the general populations of the Database of Genomic Variants. Based on the genecontent and size of this copy number variant (CNV), the classification is pathogenic. References Iossifov et al., Nature. 2014 Nov 13;515(7526):216-21. PMID: 25363768. Potocki et al., Am J Hum Genet. 2007 Apr;80(4):633-49. PMID: 17357070. Satterstrom et al., Cell. 2020 Feb 6;180(3):568-584.e23. PMID: 31981491. Turner et al., Am J Hum Genet. 2019 Dec 5;105(6):1274-1285. PMID: 31785789.